The following is an entry in ClinVar:

NM_203446.3(SYNJ1):c.*320C>T

Gene: SYNJ1 (synaptojanin 1; minus strand). Cytogenetic location: 21q22.11.
Variant type: single nucleotide variant.
Coding change: c.*320C>T on transcript NM_203446.3 (MANE Select); 320 bases downstream of the stop codon, C replaced by T.
Molecular consequence: 3 prime UTR variant. On other transcripts: missense variant (2).
Genome position (GRCh38, 1-based): chr21:32,631,485, G>A on the plus strand (C>T on the coding strand, the complement: SYNJ1 is on the minus strand). VCF-style: chr21-32631485-G-A. GRCh37 (hg19) VCF-style: chr21-34003795-G-A.
Other names: c.*320C>T (NM_001160302.2); c.4091C>T, p.Ala1364Val (NM_001160306.2); c.4349C>T, p.Ala1450Val (NM_003895.4); short protein forms A1450V, A1364V.
Identifiers: ClinVar variation 1450261 (VCV001450261.3), dbSNP rs116810192, ClinGen allele CA10003132.

ClinVar aggregate classification (germline): Uncertain significance (1 of 4 stars; one submission).

Conditions:
Developmental and epileptic encephalopathy, 53. Also called: Epileptic encephalopathy, early infantile, 53. Identifiers: MedGen C4479313, MONDO:0033362, OMIM 617389.
Early-onset Parkinson disease 20. Also called: PARKINSON DISEASE 20, AUTOSOMAL RECESSIVE EARLY-ONSET. Identifiers: Orphanet 391411, MedGen C3809824, MONDO:0014233, OMIM 615530.

Allele frequency attached by ClinVar (database versions not stated): gnomAD exomes below 0.00001 and 0.00001; ExAC 0.00001; gnomAD 0.00001 and 0.00002; TOPMed 0.00001; 1000 Genomes Project 30x 0.00016; 1000 Genomes Project 0.00020.
gnomAD v4.1: 6 of 1,614,118 alleles (0.00037%); highest among the groups gnomAD compares: African/African-American, 0.0067%; no homozygotes.

Submission:

Labcorp Genetics (formerly Invitae), Labcorp
Classification: Uncertain significance for Developmental and epileptic encephalopathy, 53; Early-onset Parkinson disease 20. Last evaluated: 2022-08-19. Review status: criteria provided, single submitter. Criteria: Invitae Variant Classification Sherloc (09022015). Collection method: clinical testing. Allele origin: germline.
Comment: This sequence change replaces alanine, which is neutral and non-polar, with valine, which is neutral and non-polar, at codon 1450 of the SYNJ1 protein (p.Ala1450Val). This variant is present in population databases (rs116810192, gnomAD 0.008%). This variant has not been reported in the literature in individuals affected with SYNJ1-related conditions. ClinVar contains an entry for this variant (Variation ID: 1450261). Algorithms developed to predict the effect of missense changes on protein structure and function output the following: SIFT: "Tolerated"; PolyPhen-2: "Benign"; Align-GVGD: "Class C0". The valine amino acid residue is found in multiple mammalian species, which suggests that this missense change does not adversely affect protein function. In summary, the available evidence is currently insufficient to determine the role of this variant in disease. Therefore, it has been classified as a Variant of Uncertain Significance.